The following is an entry in ClinVar:

NM_000474.4(TWIST1):c.319C>T (p.Gln107Ter)

Gene: TWIST1 (twist family bHLH transcription factor 1; minus strand). Cytogenetic location: 7p21.1.
Variant type: single nucleotide variant.
Coding change: c.319C>T on transcript NM_000474.4 (MANE Select); coding-DNA position 319, C replaced by T.
Protein change: p.Gln107Ter; replaces glutamine 107 with a stop codon.
Molecular consequence: nonsense. On other transcripts: non-coding transcript variant (1).
Genome position (GRCh38, 1-based): chr7:19,117,003, G>A on the plus strand (C>T on the coding strand, the complement: TWIST1 is on the minus strand). VCF-style: chr7-19117003-G-A. GRCh37 (hg19) VCF-style: chr7-19156626-G-A.
Other names: short protein forms Q107*.
Identifiers: ClinVar variation 2444186 (VCV002444186.1), dbSNP rs2486049984, ClinGen allele CA367015692.
Genomic context (GRCh38, chr7:19,117,003, plus strand): 5'-CCTCGTTCAGCGACTGGGTGCGCTGGCGCTCCCGCACGTTGGCCATGACCCGCTGCGTCT[G>A]CAGCTCCTCGTAAGACTGCGGACTCCCGCCGCCGCTGCTGCTGCCGCCGCCGCCGCCCGC-3'

ClinVar aggregate classification (germline): Pathogenic (1 of 4 stars; one submission).

Conditions:
Saethre-Chotzen syndrome (SCS). Also called: ACROCEPHALY, SKULL ASYMMETRY, AND MILD SYNDACTYLY; ACS III; CHOTZEN SYNDROME. Identifiers: Orphanet 794, MedGen C0175699, MONDO:0007042, OMIM 101400.

Submission:

3billion
Classification: Pathogenic for Saethre-Chotzen syndrome. Last evaluated: 2023-02-23. Review status: criteria provided, single submitter. Criteria: ACMG Guidelines, 2015. Collection method: clinical testing. Allele origin: unknown. Affected: yes.
Comment: The variant is not observed in the gnomAD v2.1.1 dataset. This variant was predicted to result in a loss or disruption of normal protein function through nonsense-mediated decay (NMD) or protein truncation. Multiple pathogenic variants are reported downstream of the variant. The variant has been reported to be associated with TWIST1-related disorder (PMID: 19373776). Therefore, this variant is classified as Pathogenic according to the recommendation of ACMG/AMP guideline.

Literature cited by the submitters: PubMed 19373776.